The following is an entry in ClinVar:

ClinVar aggregate classification (germline): Uncertain significance (1 of 4 stars; one submission).

Conditions:
Peroxisome biogenesis disorder. Identifiers: Orphanet 79189, MedGen C1832200, MONDO:0019234. Disease mechanism: loss of function.

Submission:

Labcorp Genetics (formerly Invitae), Labcorp
Classification: Uncertain significance for Peroxisome biogenesis disorder. Last evaluated: 2021-02-12. Review status: criteria provided, single submitter. Criteria: Invitae Variant Classification Sherloc (09022015). Collection method: clinical testing. Allele origin: germline.
Comment: In summary, the available evidence is currently insufficient to determine the role of this variant in disease. Therefore, it has been classified as a Variant of Uncertain Significance. Algorithms developed to predict the effect of missense changes on protein structure and function (SIFT, PolyPhen-2, Align-GVGD) all suggest that this variant is likely to be tolerated, but these predictions have not been confirmed by published functional studies and their clinical significance is uncertain. This variant has not been reported in the literature in individuals with PEX6-related conditions. This variant is not present in population databases (ExAC no frequency). This sequence change replaces serine with proline at codon 497 of the PEX6 protein (p.Ser497Pro). The serine residue is weakly conserved and there is a moderate physicochemical difference between serine and proline.

NM_000287.4(PEX6):c.1489T>C (p.Ser497Pro)

Gene: PEX6 (peroxisomal biogenesis factor 6; minus strand). Cytogenetic location: 6p21.1.
Variant type: single nucleotide variant.
Coding change: c.1489T>C on transcript NM_000287.4 (MANE Select); coding-DNA position 1489, T replaced by C.
Protein change: p.Ser497Pro; replaces serine 497 with proline.
Molecular consequence: missense variant. On other transcripts: non-coding transcript variant (1).
Genome position (GRCh38, 1-based): chr6:42,968,489, A>G on the plus strand (T>C on the coding strand, the complement: PEX6 is on the minus strand). VCF-style: chr6-42968489-A-G. GRCh37 (hg19) VCF-style: chr6-42936227-A-G.
Other names: c.1225T>C, p.Ser409Pro (NM_001316313.2); short protein forms S409P, S497P.
Identifiers: ClinVar variation 1408516 (VCV001408516.8), dbSNP rs2114245129, ClinGen allele CA364154643.